The following is an entry in ClinVar:

ClinVar aggregate classification (germline): Uncertain significance. Review status: criteria provided, multiple submitters, no conflicts (2 of 4 stars). 2 submissions from 2 submitters: Uncertain significance (2). Last evaluated 2025-12-13.

Conditions:
Inborn genetic diseases. Identifiers: MedGen C0950123, MeSH D030342.

Allele frequency attached by ClinVar (database versions not stated): gnomAD exomes below 0.00001 and 0.00001; TOPMed below 0.00001; ExAC 0.00001; gnomAD 0.00002.
gnomAD v4.1: 10 of 1,614,074 alleles (0.00062%); highest among the groups gnomAD compares: East Asian, 0.0045%; no homozygotes.

Submissions (2):

Labcorp Genetics (formerly Invitae), Labcorp
Classification: Uncertain significance. Last evaluated: 2025-12-13. Review status: criteria provided, single submitter. Criteria: Invitae Variant Classification Sherloc (09022015). Collection method: clinical testing. Allele origin: germline.
Comment: This sequence change replaces glycine, which is neutral and non-polar, with serine, which is neutral and polar, at codon 611 of the TNFAIP3 protein (p.Gly611Ser). This variant is present in population databases (rs756591879, gnomAD 0.005%). This variant has not been reported in the literature in individuals affected with TNFAIP3-related conditions. ClinVar contains an entry for this variant (Variation ID: 1479475). Invitae Evidence Modeling of protein sequence and biophysical properties (such as structural, functional, and spatial information, amino acid conservation, physicochemical variation, residue mobility, and thermodynamic stability) indicates that this missense variant is not expected to disrupt TNFAIP3 protein function with a negative predictive value of 80%. In summary, the available evidence is currently insufficient to determine the role of this variant in disease. Therefore, it has been classified as a Variant of Uncertain Significance.

Ambry Genetics
Classification: Uncertain significance for Inborn genetic diseases. Last evaluated: 2025-08-05. Review status: criteria provided, single submitter. Criteria: Ambry Variant Classification Scheme 2023. Collection method: clinical testing. Allele origin: germline.

NM_001270508.2(TNFAIP3):c.1831G>A (p.Gly611Ser)

Gene: TNFAIP3 (TNF alpha induced protein 3; plus strand). Cytogenetic location: 6q23.3.
Variant type: single nucleotide variant.
Coding change: c.1831G>A on transcript NM_001270508.2 (MANE Select); coding-DNA position 1831, G replaced by A.
Protein change: p.Gly611Ser; replaces glycine 611 with serine.
Molecular consequence: missense variant.
Genome position (GRCh38, 1-based): chr6:137,879,276, G>A. VCF-style: chr6-137879276-G-A. GRCh37 (hg19) VCF-style: chr6-138200413-G-A.
Other names: c.1831G>A, p.Gly611Ser (NM_001270507.2, NM_006290.4); c.1831G>A (NM_006290.2); short protein forms G611S.
Identifiers: ClinVar variation 1479475 (VCV001479475.9), dbSNP rs756591879, ClinGen allele CA4019720.